The following is an entry in ClinVar:

NM_004655.4(AXIN2):c.2223C>G (p.Ser741Arg)

Gene: AXIN2 (axin 2; minus strand). Cytogenetic location: 17q24.1.
Variant type: single nucleotide variant.
Coding change: c.2223C>G on transcript NM_004655.4 (MANE Select); coding-DNA position 2223, C replaced by G.
Protein change: p.Ser741Arg; replaces serine 741 with arginine.
Molecular consequence: missense variant.
Genome position (GRCh38, 1-based): chr17:65,535,640, G>C on the plus strand (C>G on the coding strand, the complement: AXIN2 is on the minus strand). VCF-style: chr17-65535640-G-C. GRCh37 (hg19) VCF-style: chr17-63531758-G-C.
Other names: c.2028C>G, p.Ser676Arg (NM_001363813.1); short protein forms S676R, S741R.
Identifiers: ClinVar variation 960882 (VCV000960882.11), dbSNP rs1002755638, ClinGen allele CA293097588.

ClinVar aggregate classification (germline): Uncertain significance. Review status: criteria provided, multiple submitters, no conflicts (2 of 4 stars). 3 submissions from 3 submitters: Uncertain significance (3). Last evaluated 2025-06-09.

Conditions:
Hereditary cancer-predisposing syndrome. Also called: Tumor predisposition; Hereditary neoplastic syndrome; Neoplastic Syndromes, Hereditary; Hereditary Cancer Syndrome. Identifiers: Orphanet 140162, MedGen C0027672, MeSH D009386, MONDO:0015356.
Colorectal cancer. Also called: Colorectal cancer, somatic; Malignant Colorectal Neoplasm. Identifiers: MedGen C0346629, MONDO:0005575, OMIM 114500.
Oligodontia-cancer predisposition syndrome. Also called: TOOTH AGENESIS-COLORECTAL CANCER SYNDROME. Identifiers: Orphanet 300576, MedGen C1837750, MONDO:0012075, OMIM 608615. Disease mechanism: loss of function.

gnomAD v4.1: 1 of 1,614,128 alleles (0.000062%); highest among the groups gnomAD compares: Non-Finnish European, 0.000085%; no homozygotes.

Submissions (3):

Ambry Genetics
Classification: Uncertain significance for Hereditary cancer-predisposing syndrome. Last evaluated: 2025-06-09. Review status: criteria provided, single submitter. Criteria: Ambry Variant Classification Scheme 2023. Collection method: clinical testing. Allele origin: germline.
Comment: The p.S741R variant (also known as c.2223C>G), located in coding exon 8 of the AXIN2 gene, results from a C to G substitution at nucleotide position 2223. The serine at codon 741 is replaced by arginine, an amino acid with dissimilar properties. This amino acid position is conserved. In addition, this alteration is predicted to be tolerated by in silico analysis. Based on the available evidence, the clinical significance of this variant remains unclear.

Labcorp Genetics (formerly Invitae), Labcorp
Classification: Uncertain significance for Oligodontia-cancer predisposition syndrome. Last evaluated: 2024-02-08. Review status: criteria provided, single submitter. Criteria: Invitae Variant Classification Sherloc (09022015). Collection method: clinical testing. Allele origin: germline.
Comment: This sequence change replaces serine, which is neutral and polar, with arginine, which is basic and polar, at codon 741 of the AXIN2 protein (p.Ser741Arg). This variant is not present in population databases (gnomAD no frequency). This variant has not been reported in the literature in individuals affected with AXIN2-related conditions. ClinVar contains an entry for this variant (Variation ID: 960882). An algorithm developed to predict the effect of missense changes on protein structure and function (PolyPhen-2) suggests that this variant is likely to be tolerated. In summary, the available evidence is currently insufficient to determine the role of this variant in disease. Therefore, it has been classified as a Variant of Uncertain Significance.

Baylor Genetics
Classification: Uncertain significance for Colorectal cancer. Last evaluated: 2023-07-01. Review status: criteria provided, single submitter. Criteria: ACMG Guidelines, 2015. Collection method: clinical testing. Allele origin: unknown.